The following is an entry in ClinVar:

ClinVar aggregate classification (germline): Uncertain significance (1 of 4 stars; one submission).

Conditions:
Baller-Gerold syndrome (BGS). Also called: CRANIOSYNOSTOSIS WITH RADIAL DEFECTS. Identifiers: Orphanet 1225, MedGen C0265308, MONDO:0009039, OMIM 218600.

gnomAD v4.1: 1 of 1,608,676 alleles (0.000062%); no homozygotes.

Submission:

Labcorp Genetics (formerly Invitae), Labcorp
Classification: Uncertain significance for Baller-Gerold syndrome. Last evaluated: 2023-05-13. Review status: criteria provided, single submitter. Criteria: Invitae Variant Classification Sherloc (09022015). Collection method: clinical testing. Allele origin: germline.
Comment: This variant is not present in population databases (gnomAD no frequency). This sequence change replaces alanine, which is neutral and non-polar, with aspartic acid, which is acidic and polar, at codon 759 of the RECQL4 protein (p.Ala759Asp). This variant has not been reported in the literature in individuals affected with RECQL4-related conditions. Advanced modeling of protein sequence and biophysical properties (such as structural, functional, and spatial information, amino acid conservation, physicochemical variation, residue mobility, and thermodynamic stability) performed at Invitae indicates that this missense variant is not expected to disrupt RECQL4 protein function. In summary, the available evidence is currently insufficient to determine the role of this variant in disease. Therefore, it has been classified as a Variant of Uncertain Significance.

NM_004260.4(RECQL4):c.2276C>A (p.Ala759Asp)

Gene: RECQL4 (RecQ like helicase 4; minus strand). Cytogenetic location: 8q24.3.
Variant type: single nucleotide variant.
Coding change: c.2276C>A on transcript NM_004260.4 (MANE Select); coding-DNA position 2276, C replaced by A.
Protein change: p.Ala759Asp; replaces alanine 759 with aspartic acid.
Molecular consequence: missense variant. On other transcripts: non-coding transcript variant (3), intron variant (3).
Genome position (GRCh38, 1-based): chr8:144,513,405, G>T on the plus strand (C>A on the coding strand, the complement: RECQL4 is on the minus strand). VCF-style: chr8-144513405-G-T. GRCh37 (hg19) VCF-style: chr8-145738789-G-T.
Other names: c.2276C>A, p.Ala759Asp (NM_001413019.1, NM_001413036.1); c.2180C>A, p.Ala727Asp (NM_001413020.1); c.1205C>A, p.Ala402Asp (NM_001413021.1, NM_001413022.1, NM_001413023.1 and 5 more transcripts); c.2147C>A, p.Ala716Asp (NM_001413025.1); c.1139C>A, p.Ala380Asp (NM_001413027.1, NM_001413030.1, NM_001413032.1 and 1 more transcripts); c.1925C>A, p.Ala642Asp (NM_001413029.1); c.1007C>A, p.Ala336Asp (NM_001413031.1); c.2144C>A, p.Ala715Asp (NM_001413033.1); and 7 more; short protein forms A358D, A392D, A716D, A336D, A715D, A270D, A380D, A749D.
Identifiers: ClinVar variation 2863810 (VCV002863810.3), dbSNP rs1586803103, ClinGen allele CA372678441.
Genomic context (GRCh38, chr8:144,513,405, plus strand): 5'-TCCAGCCCCATCCCAAAGGCCACCGTGGCCACCACCACCCGCAACTGGCCCTGCATGAAG[G>T]CTCGCTGTACCCGCCGCCGTTCCCGGCTGCACATGCCCGCGTGGTAGGCCTCGGCTGTGG-3'
Protein context (NP_004251.4, residues 749-769): CSRERRRVQR[Ala759Asp]FMQGQLRVVV